The following is an entry in ClinVar:

NM_145290.4(ADGRA3):c.211G>A (p.Ala71Thr)

Gene: ADGRA3 (adhesion G protein-coupled receptor A3; minus strand). Cytogenetic location: 4p15.2.
Variant type: single nucleotide variant.
Coding change: c.211G>A on transcript NM_145290.4 (MANE Select); coding-DNA position 211, G replaced by A.
Protein change: p.Ala71Thr; replaces alanine 71 with threonine.
Molecular consequence: missense variant.
Genome position (GRCh38, 1-based): chr4:22,515,574, C>T on the plus strand (G>A on the coding strand, the complement: ADGRA3 is on the minus strand). VCF-style: chr4-22515574-C-T. GRCh37 (hg19) VCF-style: chr4-22517197-C-T.
Other names: short protein forms A71T.
Identifiers: ClinVar variation 2716700 (VCV002716700.3), dbSNP rs752216538, ClinGen allele CA2874381.

ClinVar aggregate classification (germline): Uncertain significance (1 of 4 stars; one submission).

Allele frequency attached by ClinVar (database versions not stated): ExAC 0.00001.
gnomAD v4.1: 2 of 1,602,812 alleles (0.00012%); highest among the groups gnomAD compares: Non-Finnish European, 0.00017%; no homozygotes.

Submission:

Labcorp Genetics (formerly Invitae), Labcorp
Classification: Uncertain significance. Last evaluated: 2023-06-15. Review status: criteria provided, single submitter. Criteria: Invitae Variant Classification Sherloc (09022015). Collection method: clinical testing. Allele origin: germline.
Comment: In summary, the available evidence is currently insufficient to determine the role of this variant in disease. Therefore, it has been classified as a Variant of Uncertain Significance. An algorithm developed to predict the effect of missense changes on protein structure and function (PolyPhen-2) suggests that this variant is likely to be tolerated. This variant has not been reported in the literature in individuals affected with ADGRA3-related conditions. The frequency data for this variant in the population databases is considered unreliable, as metrics indicate poor data quality at this position in the gnomAD database. This sequence change replaces alanine, which is neutral and non-polar, with threonine, which is neutral and polar, at codon 71 of the ADGRA3 protein (p.Ala71Thr).